The following is an entry in ClinVar:

NM_001042492.3(NF1):c.2407C>T (p.Gln803Ter)

Gene: NF1 (neurofibromin 1; plus strand). Cytogenetic location: 17q11.2.
Variant type: single nucleotide variant.
Coding change: c.2407C>T on transcript NM_001042492.3 (MANE Select); coding-DNA position 2407, C replaced by T.
Protein change: p.Gln803Ter; replaces glutamine 803 with a stop codon.
Molecular consequence: nonsense.
Genome position (GRCh38, 1-based): chr17:31,227,604, C>T. VCF-style: chr17-31227604-C-T. GRCh37 (hg19) VCF-style: chr17-29554622-C-T.
Other names: c.2407C>T, p.Gln803Ter (NM_000267.4); short protein forms Q803*.
Identifiers: ClinVar variation 565792 (VCV000565792.16), dbSNP rs1567848213, ClinGen allele CA398983329.

ClinVar aggregate classification (germline): Pathogenic/Likely pathogenic. Review status: criteria provided, multiple submitters, no conflicts (2 of 4 stars). 5 submissions from 5 submitters: Pathogenic (4); Likely pathogenic (1). Last evaluated 2024-10-11.

Conditions:
Neurofibromatosis, type 1 (NF1). Also called: VON RECKLINGHAUSEN DISEASE; NEUROFIBROMATOSIS, TYPE I, SOMATIC; Peripheral type neurofibromatosis; Neurofibromatosis, type I. Identifiers: Orphanet 636, MedGen C0027831, MONDO:0018975, OMIM 162200. Disease mechanism: loss of function.
Hereditary cancer-predisposing syndrome. Also called: Neoplastic Syndromes, Hereditary; Tumor predisposition; Hereditary Cancer Syndrome; Hereditary neoplastic syndrome. Identifiers: Orphanet 140162, MedGen C0027672, MeSH D009386, MONDO:0015356.
Cardiovascular phenotype. Identifiers: MedGen CN230736.

Allele frequency attached by ClinVar (database versions not stated): gnomAD exomes below 0.00001.
gnomAD v4.1: 1 of 1,613,334 alleles (0.000062%); highest among the groups gnomAD compares: Non-Finnish European, 0.000085%; no homozygotes.

Submissions (5):

Ambry Genetics
Classification: Pathogenic for Cardiovascular phenotype; Hereditary cancer-predisposing syndrome. Last evaluated: 2024-10-11. Review status: criteria provided, single submitter. Criteria: Ambry Variant Classification Scheme 2023. Collection method: clinical testing. Allele origin: germline.
Comment: The p.Q803* pathogenic mutation (also known as c.2407C>T), located in coding exon 20 of the NF1 gene, results from a C to T substitution at nucleotide position 2407. This changes the amino acid from a glutamine to a stop codon within coding exon 20. This variant has been identified in individuals reported to meet clinical criteria for neurofibromatosis type 1 (Ambry internal data, Valero MC et al. J Mol Diagn, 2011 Mar;13:113-22). This variant is considered to be rare based on population cohorts in the Genome Aggregation Database (gnomAD). This alteration is expected to result in loss of function by premature protein truncation or nonsense-mediated mRNA decay. As such, this alteration is interpreted as a disease-causing mutation.

Labcorp Genetics (formerly Invitae), Labcorp
Classification: Pathogenic for Neurofibromatosis, type 1. Last evaluated: 2024-09-02. Review status: criteria provided, single submitter. Criteria: Invitae Variant Classification Sherloc (09022015). Collection method: clinical testing. Allele origin: germline.
Comment: This sequence change creates a premature translational stop signal (p.Gln803*) in the NF1 gene. It is expected to result in an absent or disrupted protein product. Loss-of-function variants in NF1 are known to be pathogenic (PMID: 10712197, 23913538). This variant is not present in population databases (gnomAD no frequency). This premature translational stop signal has been observed in individual(s) with neurofibromatosis type 1 (PMID: 21354044). ClinVar contains an entry for this variant (Variation ID: 565792). For these reasons, this variant has been classified as Pathogenic.

GeneDx
Classification: Likely pathogenic. Last evaluated: 2024-05-14. Review status: criteria provided, single submitter. Criteria: GeneDx Variant Classification Process June 2021. Collection method: clinical testing. Allele origin: germline. Affected: yes.
Comment: Nonsense variant predicted to result in protein truncation or nonsense mediated decay in a gene for which loss of function is a known mechanism of disease; Not observed at significant frequency in large population cohorts (gnomAD); This variant is associated with the following publications: (PMID: 25525159, Kamis2021[article], 21354044)

Genome-Nilou Lab
Classification: Pathogenic for Neurofibromatosis, type 1. Last evaluated: 2022-03-15. Review status: criteria provided, single submitter. Criteria: ACMG Guidelines, 2015. Collection method: clinical testing. Allele origin: germline. Affected: no.

ARUP Laboratories, Molecular Genetics and Genomics, ARUP Laboratories
Classification: Pathogenic. Last evaluated: 2018-07-10. Review status: criteria provided, single submitter. Criteria: ARUP Molecular Germline Variant Investigation Process. Collection method: clinical testing. Allele origin: germline.
Comment: The NF1 c.2407C>T; p.Gln803Ter variant, is reported in the literature in at least one individual affected with neurofibromatosis type 1 (Valero 2011). This variant is absent from general population databases (1000 Genomes Project, Exome Variant Server, and Genome Aggregation Database), indicating it is not a common polymorphism. This variant induces an early termination codon and is predicted to result in a truncated protein or mRNA subject to nonsense-mediated decay. Based on available information, this variant is considered to be pathogenic. References: Valero MC et al. A highly sensitive genetic protocol to detect NF1 mutations. J Mol Diagn. 2011 Mar;13(2):113-22.

Literature cited by the submitters: PubMed 21354044 (cited by Ambry Genetics and Labcorp Genetics (formerly Invitae), Labcorp); PubMed 10712197 (cited by Labcorp Genetics (formerly Invitae), Labcorp); PubMed 23913538 (cited by Labcorp Genetics (formerly Invitae), Labcorp).